The following is an entry in ClinVar:

NM_003331.5(TYK2):c.1925A>G (p.Lys642Arg)

Gene: TYK2 (tyrosine kinase 2; minus strand). Cytogenetic location: 19p13.2.
Variant type: single nucleotide variant.
Coding change: c.1925A>G on transcript NM_003331.5 (MANE Select); coding-DNA position 1925, A replaced by G.
Protein change: p.Lys642Arg; replaces lysine 642 with arginine.
Molecular consequence: missense variant. On other transcripts: intron variant (1).
Genome position (GRCh38, 1-based): chr19:10,361,804, T>C on the plus strand (A>G on the coding strand, the complement: TYK2 is on the minus strand). VCF-style: chr19-10361804-T-C. GRCh37 (hg19) VCF-style: chr19-10472480-T-C.
Other names: c.1925A>G, p.Lys642Arg (NM_001385197.1, NM_001385198.1, NM_001385200.1 and 2 more transcripts); c.1727A>G, p.Lys576Arg (NM_001385201.1); c.1841A>G, p.Lys614Arg (NM_001385202.1); c.1835A>G, p.Lys612Arg (NM_001385205.1); c.1799A>G, p.Lys600Arg (NM_001385206.1); c.1907A>G, p.Lys636Arg (NM_001385207.1); c.1774-206A>G (NM_001385199.1); short protein forms K576R, K600R, K614R, K612R, K636R, K642R.
Identifiers: ClinVar variation 1372213 (VCV001372213.6), dbSNP rs745986684, ClinGen allele CA9193253.

ClinVar aggregate classification (germline): Uncertain significance (1 of 4 stars; one submission).

Conditions:
Immunodeficiency 35 (IMD35). Also called: HIES WITH ATYPICAL MYCOBACTERIOSIS, AUTOSOMAL RECESSIVE; HYPER-IgE SYNDROME WITH ATYPICAL MYCOBACTERIOSIS, AUTOSOMAL RECESSIVE; Susceptibility to infection due to TYK2 deficiency; TYK2 DEFICIENCY. Identifiers: Orphanet 331226, MedGen C1969086, MONDO:0012682, OMIM 611521.

Allele frequency attached by ClinVar (database versions not stated): gnomAD exomes below 0.00001; ExAC 0.00001.
gnomAD v4.1: 2 of 1,613,742 alleles (0.00012%); highest among the groups gnomAD compares: Non-Finnish European, 0.00017%; no homozygotes.

Submission:

Labcorp Genetics (formerly Invitae), Labcorp
Classification: Uncertain significance for Immunodeficiency 35. Last evaluated: 2022-08-03. Review status: criteria provided, single submitter. Criteria: Invitae Variant Classification Sherloc (09022015). Collection method: clinical testing. Allele origin: germline.
Comment: In summary, the available evidence is currently insufficient to determine the role of this variant in disease. Therefore, it has been classified as a Variant of Uncertain Significance. Algorithms developed to predict the effect of missense changes on protein structure and function are either unavailable or do not agree on the potential impact of this missense change (SIFT: "Not Available"; PolyPhen-2: "Probably Damaging"; Align-GVGD: "Not Available"). ClinVar contains an entry for this variant (Variation ID: 1372213). This variant has not been reported in the literature in individuals affected with TYK2-related conditions. This variant is present in population databases (rs745986684, gnomAD 0.0009%). This sequence change replaces lysine, which is basic and polar, with arginine, which is basic and polar, at codon 642 of the TYK2 protein (p.Lys642Arg).